The following is an entry in ClinVar:

ClinVar aggregate classification (germline): Uncertain significance (1 of 4 stars; one submission).

Conditions:
Autoimmune lymphoproliferative syndrome type 1. Also called: AUTOIMMUNE LYMPHOPROLIFERATIVE SYNDROME, TYPE I, AUTOSOMAL DOMINANT. Identifiers: Orphanet 3261, MedGen C2717884, MONDO:0011158, OMIM 601859.

Allele frequency attached by ClinVar (database versions not stated): TOPMed below 0.00001.

Submission:

Labcorp Genetics (formerly Invitae), Labcorp
Classification: Uncertain significance for Autoimmune lymphoproliferative syndrome. Last evaluated: 2018-11-28. Review status: criteria provided, single submitter. Criteria: Invitae Variant Classification Sherloc (09022015). Collection method: clinical testing. Allele origin: germline.
Comment: Algorithms developed to predict the effect of missense changes on protein structure and function output the following: SIFT: "Tolerated"; PolyPhen-2: "Probably Damaging"; Align-GVGD: "Class C0". The alanine amino acid residue is found in multiple mammalian species, suggesting that this missense change does not adversely affect protein function. These predictions have not been confirmed by published functional studies and their clinical significance is uncertain. This sequence change replaces threonine with alanine at codon 160 of the FAS protein (p.Thr160Ala). The threonine residue is highly conserved and there is a small physicochemical difference between threonine and alanine. This variant is not present in population databases (ExAC no frequency). This variant has not been reported in the literature in individuals with FAS-related conditions. In summary, the available evidence is currently insufficient to determine the role of this variant in disease. Therefore, it has been classified as a Variant of Uncertain Significance.

NM_000043.6(FAS):c.478A>G (p.Thr160Ala)

Gene: FAS (Fas cell surface death receptor; plus strand). Cytogenetic location: 10q23.31.
Variant type: single nucleotide variant.
Coding change: c.478A>G on transcript NM_000043.6 (MANE Select); coding-DNA position 478, A replaced by G.
Protein change: p.Thr160Ala; replaces threonine 160 with alanine.
Molecular consequence: missense variant. On other transcripts: non-coding transcript variant (7).
Genome position (GRCh38, 1-based): chr10:89,010,573, A>G. VCF-style: chr10-89010573-A-G. GRCh37 (hg19) VCF-style: chr10-90770330-A-G.
Other names: c.478A>G, p.Thr160Ala (NM_001320619.2, NM_152871.4, NM_152872.4); short protein forms T160A.
Identifiers: ClinVar variation 654785 (VCV000654785.7), dbSNP rs1589482084, ClinGen allele CA377508984.